The following is an entry in ClinVar:

ClinVar aggregate classification (germline): Uncertain significance (1 of 4 stars; one submission).

Conditions:
Familial focal epilepsy with variable foci (FPEVF). Identifiers: Orphanet 98820, MedGen C1858477, MONDO:0020310.

Submission:

Labcorp Genetics (formerly Invitae), Labcorp
Classification: Uncertain significance for Familial focal epilepsy with variable foci. Last evaluated: 2022-08-31. Review status: criteria provided, single submitter. Criteria: Invitae Variant Classification Sherloc (09022015). Collection method: clinical testing. Allele origin: germline.
Comment: In summary, the available evidence is currently insufficient to determine the role of this variant in disease. Therefore, it has been classified as a Variant of Uncertain Significance. Algorithms developed to predict the effect of missense changes on protein structure and function are either unavailable or do not agree on the potential impact of this missense change (SIFT: "Tolerated"; PolyPhen-2: "Not Available"; Align-GVGD: "Class C0"). This variant has not been reported in the literature in individuals affected with DEPDC5-related conditions. This variant is not present in population databases (gnomAD no frequency). This sequence change replaces arginine, which is basic and polar, with glycine, which is neutral and non-polar, at codon 517 of the DEPDC5 protein (p.Arg517Gly).

NM_001242896.3(DEPDC5):c.1549A>G (p.Arg517Gly)

Gene: DEPDC5 (DEP domain containing 5, GATOR1 subcomplex subunit; plus strand). Cytogenetic location: 22q12.3.
Variant type: single nucleotide variant.
Coding change: c.1549A>G on transcript NM_001242896.3 (MANE Select); coding-DNA position 1549, A replaced by G.
Protein change: p.Arg517Gly; replaces arginine 517 with glycine.
Molecular consequence: missense variant. On other transcripts: non-coding transcript variant (5).
Genome position (GRCh38, 1-based): chr22:31,815,095, A>G. VCF-style: chr22-31815095-A-G. GRCh37 (hg19) VCF-style: chr22-32211081-A-G.
Other names: c.1549A>G, p.Arg517Gly (NM_001007188.4, NM_001136029.4, NM_001242897.2 and 7 more transcripts); c.1465A>G, p.Arg489Gly (NM_001369901.1, NM_001369902.1); short protein forms R489G, R517G.
Identifiers: ClinVar variation 1718496 (VCV001718496.5), dbSNP rs2519251889, ClinGen allele CA411278285.